The following is an entry in ClinVar:

NM_000260.4(MYO7A):c.3057dup (p.Arg1020fs)

Gene: MYO7A (myosin VIIA; plus strand). Cytogenetic location: 11q13.5.
Variant type: Duplication.
Coding change: c.3057dup on transcript NM_000260.4 (MANE Select); coding-DNA position 3057, one base duplicated (G; older notation c.3057dupG).
Protein change: p.Arg1020fs; shifts the reading frame from arginine 1020.
Molecular consequence: frameshift variant.
Genome position (GRCh38, 1-based): chr11:77,182,103, G duplicated; the last of 2 consecutive G bases (chr11:77,182,102-77,182,103); duplicating either gives the same sequence. VCF-style (leftmost placement, unchanged base first): chr11-77182101-C-CG. GRCh37 (hg19) VCF-style: chr11-76893147-C-CG.
Other names: c.3057dup, p.Arg1020fs (NM_001127180.2); c.3024dup, p.Arg1009fs (NM_001369365.1); short protein forms R1009fs, R1020fs.
Identifiers: ClinVar variation 5012066 (VCV005012066.1).

ClinVar aggregate classification (germline): Pathogenic (1 of 4 stars; one submission).

Conditions:
Usher syndrome type 1 (USH1). Also called: RETINITIS PIGMENTOSA AND CONGENITAL DEAFNESS. Identifiers: Orphanet 231169, Orphanet 886, MedGen C1568247, MONDO:0010168, OMIM 276900.

Submission:

Myriad Genetics, Inc.
Classification: Pathogenic for Usher syndrome type 1. Last evaluated: 2023-09-27. Review status: criteria provided, single submitter. Criteria: Myriad Autosomal Dominant, Autosomal Recessive and X-Linked Classification Criteria (2023). Collection method: clinical testing. Allele origin: unknown.
Comment: NM_000260.3(MYO7A):c.3057dupG(R1020Afs*11) is expected to be pathogenic in the context of MYO7A-related disorders. This variant is predicted to lead to an abnormal or absent protein product due to the creation of a premature termination codon in MYO7A, a gene where loss-of-function variants are known to be pathogenic. Please note: this variant was assessed in the context of healthy population screening.